The following is an entry in ClinVar:

NM_001267550.2(TTN):c.80788G>T (p.Glu26930Ter)

Genes: TTN-AS1 (TTN antisense RNA 1; plus strand), TTN (titin; minus strand). Cytogenetic location: 2q31.2.
Variant type: single nucleotide variant.
Coding change: c.80788G>T on transcript NM_001267550.2 (MANE Select); coding-DNA position 80788, G replaced by T.
Protein change: p.Glu26930Ter; replaces glutamic acid 26930 with a stop codon.
Molecular consequence: nonsense.
Genome position (GRCh38, 1-based): chr2:178,565,344, C>A on the plus strand (G>T on the coding strand, the complement: TTN is on the minus strand). VCF-style: chr2-178565344-C-A. GRCh37 (hg19) VCF-style: chr2-179430071-C-A.
Other names: c.53593G>T, p.Glu17865Ter (NM_003319.4); c.75865G>T, p.Glu25289Ter (NM_001256850.1); c.73084G>T, p.Glu24362Ter (NM_133378.4); c.53968G>T, p.Glu17990Ter (NM_133432.3); c.54169G>T, p.Glu18057Ter (NM_133437.4); short protein forms E17865*, E17990*, E18057*, E24362*, E25289*, E26930*.
Identifiers: ClinVar variation 3755267 (VCV003755267.2).

ClinVar aggregate classification (germline): Likely pathogenic (1 of 4 stars; one submission).

Conditions:
Dilated cardiomyopathy 1G (CMD1G). Identifiers: Orphanet 154, MedGen C1858763, MONDO:0011400, OMIM 604145.
Autosomal recessive limb-girdle muscular dystrophy type 2J (LGMDR10). Also called: Limb-girdle muscular dystrophy, type 2J; MUSCULAR DYSTROPHY, LIMB-GIRDLE, AUTOSOMAL RECESSIVE 10. Identifiers: Orphanet 140922, MedGen C1837342, MONDO:0012127, OMIM 608807.

Submission:

Labcorp Genetics (formerly Invitae), Labcorp
Classification: Likely pathogenic for Dilated cardiomyopathy 1G; Autosomal recessive limb-girdle muscular dystrophy type 2J. Last evaluated: 2024-03-18. Review status: criteria provided, single submitter. Criteria: Invitae Variant Classification Sherloc (09022015). Collection method: clinical testing. Allele origin: germline.
Comment: This sequence change creates a premature translational stop signal (p.Glu26930*) in the TTN gene. While this is not anticipated to result in nonsense mediated decay, it is expected to create a truncated TTN protein. This variant is not present in population databases (gnomAD no frequency). This premature translational stop signal has been observed in individual(s) with dilated cardiomyopathy (Invitae). This variant is located in the A band of TTN (PMID: 25589632). Truncating variants in this region are significantly overrepresented in patients affected with dilated cardiomyopathy (PMID: 25589632). Truncating variants in this region have also been reported in individuals affected with autosomal recessive centronuclear myopathy (PMID: 23975875). In summary, the currently available evidence indicates that the variant is pathogenic, but additional data are needed to prove that conclusively. Therefore, this variant has been classified as Likely Pathogenic.

Literature cited by the submitters: PubMed 25589632; PubMed 23975875.